The following is an entry in ClinVar:

ClinVar aggregate classification (germline): Likely benign. Review status: criteria provided, single submitter (1 of 4 stars). 3 submissions from 3 submitters: Likely benign (1). 2 of the submissions do not count toward it. Last evaluated 2018-12-12.

Conditions:
PAX4-related disorder. Also called: PAX4-related condition.

Allele frequency attached by ClinVar (database versions not stated): ExAC 0.00077; gnomAD exomes 0.00100; 1000 Genomes Project 0.00379; gnomAD 0.00399 and 0.00426; 1000 Genomes Project 30x 0.00406; TOPMed 0.00472.
gnomAD v4.1: 1,113 of 1,539,682 alleles (0.072%); highest among the groups gnomAD compares: African/African-American, 1.4%; 11 homozygotes.

Submissions (3):

GeneDx
Classification: Likely benign. Last evaluated: 2018-12-12. Review status: criteria provided, single submitter. Criteria: GeneDx Variant Classification Process June 2021. Collection method: clinical testing. Allele origin: germline. Affected: yes.

Genetic Services Laboratory, University of Chicago
Classification: Likely benign. Last evaluated: 2022-08-31. Review status: no assertion criteria provided. Collection method: clinical testing. Allele origin: germline. Affected: no. Not counted in ClinVar's aggregate classification.

PreventionGenetics, part of Exact Sciences
Classification: Benign for PAX4-related condition. Last evaluated: 2019-06-26. Review status: no assertion criteria provided. Collection method: clinical testing. Allele origin: germline. Not counted in ClinVar's aggregate classification.
Comment: This variant is classified as benign based on ACMG/AMP sequence variant interpretation guidelines (Richards et al. 2015 PMID: 25741868, with internal and published modifications).

NM_001366110.1(PAX4):c.*190C>T

Gene: PAX4 (paired box 4; minus strand). Cytogenetic location: 7q32.1.
Variant type: single nucleotide variant.
Coding change: c.*190C>T on transcript NM_001366110.1 (MANE Select); 190 bases downstream of the stop codon, C replaced by T.
Molecular consequence: 3 prime UTR variant. On other transcripts: missense variant (1).
Genome position (GRCh38, 1-based): chr7:127,610,874, G>A on the plus strand (C>T on the coding strand, the complement: PAX4 is on the minus strand). VCF-style: chr7-127610874-G-A. GRCh37 (hg19) VCF-style: chr7-127250928-G-A.
Other names: c.1025C>T, p.Thr342Ile (NM_001366111.1); short protein forms T342I.
Identifiers: ClinVar variation 358792 (VCV000358792.10), dbSNP rs2233585, ClinGen allele CA4467813.
Genomic context (GRCh38, chr7:127,610,874, plus strand): 5'-AACAGCTTTTATTACTGCTGAGTGGAGGCCTCTTAAGGCTAGTGTGAGAAGTGGGTGGGT[G>A]TTGCTTTACCAGCCCCTCCAATCAGGTGATGCGCCAGAGAGGCATCGAGGCAGGGCCAGG-3'